The following is an entry in ClinVar:

NM_000264.5(PTCH1):c.1976A>G (p.Gln659Arg)

Genes: PTCH1 (patched 1; minus strand), LOC100507346 (uncharacterized LOC100507346; plus strand). Cytogenetic location: 9q22.32.
Variant type: single nucleotide variant.
Coding change: c.1976A>G on transcript NM_000264.5 (MANE Select); coding-DNA position 1976, A replaced by G.
Protein change: p.Gln659Arg; replaces glutamine 659 with arginine.
Molecular consequence: missense variant. On other transcripts: non-coding transcript variant (2).
Genome position (GRCh38, 1-based): chr9:95,469,025, T>C on the plus strand (A>G on the coding strand, the complement: PTCH1 is on the minus strand). VCF-style: chr9-95469025-T-C. GRCh37 (hg19) VCF-style: chr9-98231307-T-C.
Other names: c.1778A>G, p.Gln593Arg (NM_001083602.3); c.1973A>G, p.Gln658Arg (NM_001083603.3); c.1523A>G, p.Gln508Arg (NM_001083604.3, NM_001083605.3, NM_001083606.3 and 1 more transcripts); c.1820A>G, p.Gln607Arg (NM_001354918.2); short protein forms Q508R, Q593R, Q607R, Q659R, Q658R.
Identifiers: ClinVar variation 2624552 (VCV002624552.2), dbSNP rs1840307078, ClinGen allele CA374115917.
Genomic context (GRCh38, chr9:95,469,025, plus strand): 5'-GCGGTGGTGTAGTACACGTGCGTGTGGGGGTCGTACTCCGTGCGGAGCTGGACAGTGGAC[T>C]GCATGGTAATCTGCGTTTCATGGGCAAAGCTGTGGCTGCTGTAGGGAGGTGGGGGGCTGT-3'
Protein context (NP_000255.2, residues 649-669): SFAHETQITM[Gln659Arg]STVQLRTEYD

ClinVar aggregate classification (germline): Uncertain significance (1 of 4 stars; one submission).

Conditions:
Hereditary cancer-predisposing syndrome. Also called: Tumor predisposition; Hereditary Cancer Syndrome; Hereditary neoplastic syndrome; Neoplastic Syndromes, Hereditary. Identifiers: Orphanet 140162, MedGen C0027672, MeSH D009386, MONDO:0015356.

Allele frequency attached by ClinVar (database versions not stated): gnomAD 0.00001.
gnomAD v4.1: 2 of 1,613,914 alleles (0.00012%); highest among the groups gnomAD compares: Admixed American, 0.0017%; no homozygotes.

Submission:

Ambry Genetics
Classification: Uncertain significance for Hereditary cancer-predisposing syndrome. Last evaluated: 2023-09-04. Review status: criteria provided, single submitter. Criteria: Ambry Variant Classification Scheme 2023. Collection method: clinical testing. Allele origin: germline.
Comment: The p.Q659R variant (also known as c.1976A>G), located in coding exon 14 of the PTCH1 gene, results from an A to G substitution at nucleotide position 1976. The glutamine at codon 659 is replaced by arginine, an amino acid with highly similar properties. This amino acid position is conserved. In addition, this alteration is predicted to be deleterious by in silico analysis. Since supporting evidence is limited at this time, the clinical significance of this alteration remains unclear.